The following is an entry in ClinVar:

ClinVar aggregate classification (germline): Uncertain significance. Review status: criteria provided, multiple submitters, no conflicts (2 of 4 stars). 2 submissions from 2 submitters: Uncertain significance (2). Last evaluated 2025-10-26.

Conditions:
Autosomal recessive hypophosphatemic bone disease (HHRH). Also called: HYPERCALCIURIC RICKETS; Hypophosphatemic rickets with hypercalciuria. Identifiers: Orphanet 157215, MedGen C1853271, MONDO:0009431, OMIM 241530.

Allele frequency attached by ClinVar (database versions not stated): TOPMed 0.00001; gnomAD 0.00002; gnomAD exomes 0.00002 and 0.00003; ExAC 0.00003.
gnomAD v4.1: 34 of 1,609,780 alleles (0.0021%); highest among the groups gnomAD compares: Non-Finnish European, 0.0028%; no homozygotes.

Submissions (2):

Labcorp Genetics (formerly Invitae), Labcorp
Classification: Uncertain significance. Last evaluated: 2025-10-26. Review status: criteria provided, single submitter. Criteria: Invitae Variant Classification Sherloc (09022015). Collection method: clinical testing. Allele origin: germline.
Comment: This sequence change replaces serine, which is neutral and polar, with glycine, which is neutral and non-polar, at codon 442 of the SLC34A3 protein (p.Ser442Gly). This variant is present in population databases (rs773903138, gnomAD 0.005%). This variant has not been reported in the literature in individuals affected with SLC34A3-related conditions. ClinVar contains an entry for this variant (Variation ID: 1018807). Invitae Evidence Modeling of protein sequence and biophysical properties (such as structural, functional, and spatial information, amino acid conservation, physicochemical variation, residue mobility, and thermodynamic stability) indicates that this missense variant is not expected to disrupt SLC34A3 protein function with a negative predictive value of 80%. In summary, the available evidence is currently insufficient to determine the role of this variant in disease. Therefore, it has been classified as a Variant of Uncertain Significance.

Fulgent Genetics
Classification: Uncertain significance for Autosomal recessive hypophosphatemic bone disease. Last evaluated: 2024-06-23. Review status: criteria provided, single submitter. Criteria: ACMG Guidelines, 2015. Collection method: clinical testing. Allele origin: germline.

NM_001177316.2(SLC34A3):c.1324A>G (p.Ser442Gly)

Gene: SLC34A3 (solute carrier family 34 member 3; plus strand). Cytogenetic location: 9q34.3.
Variant type: single nucleotide variant.
Coding change: c.1324A>G on transcript NM_001177316.2 (MANE Select); coding-DNA position 1324, A replaced by G.
Protein change: p.Ser442Gly; replaces serine 442 with glycine.
Molecular consequence: missense variant.
Genome position (GRCh38, 1-based): chr9:137,234,720, A>G. VCF-style: chr9-137234720-A-G. GRCh37 (hg19) VCF-style: chr9-140129172-A-G.
Other names: c.1324A>G, p.Ser442Gly (NM_001177317.2, NM_080877.3); short protein forms S442G.
Identifiers: ClinVar variation 1018807 (VCV001018807.11), dbSNP rs773903138, ClinGen allele CA5364891.